The following is an entry in ClinVar:

ClinVar aggregate classification (germline): Uncertain significance (1 of 4 stars; one submission).

Allele frequency attached by ClinVar (database versions not stated): gnomAD 0.00001.
gnomAD v4.1: 4 of 1,614,010 alleles (0.00025%); highest among the groups gnomAD compares: Non-Finnish European, 0.00034%; no homozygotes.

Submission:

Labcorp Genetics (formerly Invitae), Labcorp
Classification: Uncertain significance. Last evaluated: 2024-10-03. Review status: criteria provided, single submitter. Criteria: Invitae Variant Classification Sherloc (09022015). Collection method: clinical testing. Allele origin: germline.
Comment: This sequence change replaces glutamic acid, which is acidic and polar, with alanine, which is neutral and non-polar, at codon 491 of the DUOX2 protein (p.Glu491Ala). The frequency data for this variant in the population databases is considered unreliable, as metrics indicate poor data quality at this position in the gnomAD database. This variant has not been reported in the literature in individuals affected with DUOX2-related conditions. Invitae Evidence Modeling of protein sequence and biophysical properties (such as structural, functional, and spatial information, amino acid conservation, physicochemical variation, residue mobility, and thermodynamic stability) indicates that this missense variant is expected to disrupt DUOX2 protein function with a positive predictive value of 80%. In summary, the available evidence is currently insufficient to determine the role of this variant in disease. Therefore, it has been classified as a Variant of Uncertain Significance.

NM_001363711.2(DUOX2):c.1472A>C (p.Glu491Ala)

Gene: DUOX2 (dual oxidase 2; minus strand). Cytogenetic location: 15q21.1.
Variant type: single nucleotide variant.
Coding change: c.1472A>C on transcript NM_001363711.2 (MANE Select); coding-DNA position 1472, A replaced by C.
Protein change: p.Glu491Ala; replaces glutamic acid 491 with alanine.
Molecular consequence: missense variant.
Genome position (GRCh38, 1-based): chr15:45,108,149, T>G on the plus strand (A>C on the coding strand, the complement: DUOX2 is on the minus strand). VCF-style: chr15-45108149-T-G. GRCh37 (hg19) VCF-style: chr15-45400347-T-G.
Other names: c.1472A>C, p.Glu491Ala (NM_014080.5); short protein forms E491A.
Identifiers: ClinVar variation 2877340 (VCV002877340.3), dbSNP rs947474351, ClinGen allele CA392276562.
Genomic context (GRCh38, chr15:45,108,149, plus strand): 5'-AGCCGTACAAACTGGTCGAGGACAATGGCACTGAACAGGGGTCCAGGGTCCCCATGGCTC[T>G]CCAGGAGCCCCCCAAGGAGCAGCTCTAGCTGGGATAGGTCCTGGTTGTACAGGGCAGCTG-3'
Protein context (NP_001350640.1, residues 481-501): QLELLLGGLL[Glu491Ala]SHGDPGPLFS